The following is an entry in ClinVar:

ClinVar aggregate classification (germline): Uncertain significance. Review status: criteria provided, multiple submitters, no conflicts (2 of 4 stars). 3 submissions from 3 submitters: Uncertain significance (3). Last evaluated 2023-12-28.

Conditions:
Ataxia-telangiectasia-like disorder (ATLD). Identifiers: MedGen C1858391, MONDO:0011457.
Hereditary cancer-predisposing syndrome. Also called: Neoplastic Syndromes, Hereditary; Tumor predisposition; Hereditary Cancer Syndrome; Hereditary neoplastic syndrome. Identifiers: Orphanet 140162, MedGen C0027672, MeSH D009386, MONDO:0015356.
Ataxia-telangiectasia-like disorder 1 (ATLD1). Identifiers: Orphanet 251347, MedGen C4012790, MONDO:0024557, OMIM 604391.

Allele frequency attached by ClinVar (database versions not stated): gnomAD exomes below 0.00001 and 0.00001; ExAC 0.00001; TOPMed 0.00001.
gnomAD v4.1: 3 of 1,614,022 alleles (0.00019%); highest among the groups gnomAD compares: Non-Finnish European, 0.00025%; no homozygotes.

Submissions (3):

Baylor Genetics
Classification: Uncertain significance for Ataxia-telangiectasia-like disorder 1. Last evaluated: 2023-12-28. Review status: criteria provided, single submitter. Criteria: ACMG Guidelines, 2015. Collection method: clinical testing. Allele origin: unknown.

Ambry Genetics
Classification: Uncertain significance for Hereditary cancer-predisposing syndrome. Last evaluated: 2022-08-03. Review status: criteria provided, single submitter. Criteria: Ambry Variant Classification Scheme 2023. Collection method: clinical testing. Allele origin: germline.
Comment: The p.S678N variant (also known as c.2033G>A), located in coding exon 18 of the MRE11A gene, results from a G to A substitution at nucleotide position 2033. The serine at codon 678 is replaced by asparagine, an amino acid with highly similar properties. This amino acid position is well conserved in available vertebrate species. In addition, this alteration is predicted to be tolerated by in silico analysis. Since supporting evidence is limited at this time, the clinical significance of this alteration remains unclear.

Labcorp Genetics (formerly Invitae), Labcorp
Classification: Uncertain significance for Ataxia-telangiectasia-like disorder. Last evaluated: 2021-08-31. Review status: criteria provided, single submitter. Criteria: Invitae Variant Classification Sherloc (09022015). Collection method: clinical testing. Allele origin: germline.
Comment: This sequence change replaces serine with asparagine at codon 678 of the MRE11 protein (p.Ser678Asn). The serine residue is moderately conserved and there is a small physicochemical difference between serine and asparagine. This variant is present in population databases (rs781684108, ExAC 0.002%). This variant has not been reported in the literature in individuals affected with MRE11-related conditions. Algorithms developed to predict the effect of missense changes on protein structure and function output the following: SIFT: "Tolerated"; PolyPhen-2: "Benign"; Align-GVGD: "Class C0". The asparagine amino acid residue is found in multiple mammalian species, which suggests that this missense change does not adversely affect protein function. In summary, the available evidence is currently insufficient to determine the role of this variant in disease. Therefore, it has been classified as a Variant of Uncertain Significance.

NM_005591.4(MRE11):c.2033G>A (p.Ser678Asn)

Gene: MRE11 (MRE11 double strand break repair nuclease; minus strand). Cytogenetic location: 11q21.
Variant type: single nucleotide variant.
Coding change: c.2033G>A on transcript NM_005591.4 (MANE Select); coding-DNA position 2033, G replaced by A.
Protein change: p.Ser678Asn; replaces serine 678 with asparagine.
Molecular consequence: missense variant.
Genome position (GRCh38, 1-based): chr11:94,429,948, C>T on the plus strand (G>A on the coding strand, the complement: MRE11 is on the minus strand). VCF-style: chr11-94429948-C-T. GRCh37 (hg19) VCF-style: chr11-94163114-C-T.
Other names: c.2030G>A, p.Ser677Asn (NM_001330347.2); c.1949G>A, p.Ser650Asn (NM_005590.4); short protein forms S678N, S677N, S650N.
Identifiers: ClinVar variation 483605 (VCV000483605.12), dbSNP rs781684108, ClinGen allele CA6234914.